The following is an entry in ClinVar:

ClinVar aggregate classification (germline): Likely benign. Review status: criteria provided, single submitter (1 of 4 stars). 2 submissions from 2 submitters: Likely benign (1). 1 of the submissions does not count toward it. Last evaluated 2023-03-01.

Conditions:
MYCBP2-related disorder. Also called: MYCBP2-related condition.

Allele frequency attached by ClinVar (database versions not stated): 1000 Genomes Project 30x 0.00062; 1000 Genomes Project 0.00080; TOPMed 0.00239; ESP Exome Variant Server 0.00246; gnomAD 0.00270; ExAC 0.00307; gnomAD exomes 0.00361.
gnomAD v4.1: 5,635 of 1,614,104 alleles (0.35%); highest among the groups gnomAD compares: Non-Finnish European, 0.42%; 20 homozygotes.

Submissions (2):

CeGaT Center for Human Genetics Tuebingen
Classification: Likely benign. Last evaluated: 2023-03-01. Review status: criteria provided, single submitter. Criteria: CeGaT Center For Human Genetics Tuebingen Variant Classification Criteria Version 2. Collection method: clinical testing. Allele origin: germline. Affected: yes. Observed: 1 variant allele.
Comment: MYCBP2: PP2, BS2

PreventionGenetics, part of Exact Sciences
Classification: Likely benign for MYCBP2-related condition. Last evaluated: 2019-06-06. Review status: no assertion criteria provided. Collection method: clinical testing. Allele origin: germline. Not counted in ClinVar's aggregate classification.
Comment: This variant is classified as likely benign based on ACMG/AMP sequence variant interpretation guidelines (Richards et al. 2015 PMID: 25741868, with internal and published modifications).

NM_015057.5(MYCBP2):c.5065G>A (p.Val1689Ile)

Gene: MYCBP2 (MYC binding protein 2; minus strand). Cytogenetic location: 13q22.3.
Variant type: single nucleotide variant.
Coding change: c.5065G>A on transcript NM_015057.5 (MANE Select); coding-DNA position 5065, G replaced by A.
Protein change: p.Val1689Ile; replaces valine 1689 with isoleucine.
Molecular consequence: missense variant.
Genome position (GRCh38, 1-based): chr13:77,180,195, C>T on the plus strand (G>A on the coding strand, the complement: MYCBP2 is on the minus strand). VCF-style: chr13-77180195-C-T. GRCh37 (hg19) VCF-style: chr13-77754330-C-T.
Other names: c.5065G>A (NM_015057.4); short protein forms V1689I.
Identifiers: ClinVar variation 2643859 (VCV002643859.25), dbSNP rs61749892, ClinGen allele CA7009579.